The following is an entry in ClinVar:

ClinVar aggregate classification (germline): Uncertain significance (1 of 4 stars; one submission).

Allele frequency attached by ClinVar (database versions not stated): ExAC 0.00001; gnomAD exomes 0.00001; TOPMed 0.00003; gnomAD 0.00005.
gnomAD v4.1: 21 of 1,613,722 alleles (0.0013%); highest among the groups gnomAD compares: Admixed American, 0.01%; no homozygotes.

Submission:

Labcorp Genetics (formerly Invitae), Labcorp
Classification: Uncertain significance. Last evaluated: 2021-11-15. Review status: criteria provided, single submitter. Criteria: Invitae Variant Classification Sherloc (09022015). Collection method: clinical testing. Allele origin: germline.
Comment: This sequence change replaces proline, which is neutral and non-polar, with leucine, which is neutral and non-polar, at codon 449 of the TBXAS1 protein (p.Pro449Leu). In summary, the available evidence is currently insufficient to determine the role of this variant in disease. Therefore, it has been classified as a Variant of Uncertain Significance. Algorithms developed to predict the effect of missense changes on protein structure and function are either unavailable or do not agree on the potential impact of this missense change (SIFT: "Deleterious"; PolyPhen-2: "Probably Damaging"; Align-GVGD: "Class C0"). This variant has not been reported in the literature in individuals affected with TBXAS1-related conditions. This variant is present in population databases (rs773129737, gnomAD 0.009%).

NM_001061.7(TBXAS1):c.1343C>T (p.Pro448Leu)

Gene: TBXAS1 (thromboxane A synthase 1; plus strand). Cytogenetic location: 7q34.
Variant type: single nucleotide variant.
Coding change: c.1343C>T on transcript NM_001061.7 (MANE Select); coding-DNA position 1343, C replaced by T.
Protein change: p.Pro448Leu; replaces proline 448 with leucine.
Molecular consequence: missense variant.
Genome position (GRCh38, 1-based): chr7:140,015,839, C>T. VCF-style: chr7-140015839-C-T. GRCh37 (hg19) VCF-style: chr7-139715639-C-T.
Other names: c.1343C>T, p.Pro448Leu (NM_001130966.5, NM_030984.6); c.1481C>T, p.Pro494Leu (NM_001166253.4); c.1142C>T, p.Pro381Leu (NM_001166254.4); c.1286C>T, p.Pro429Leu (NM_001314028.4); c.1160C>T, p.Pro387Leu (NM_001366537.3); short protein forms P429L, P381L, P448L, P387L, P494L.
Identifiers: ClinVar variation 1424742 (VCV001424742.5), dbSNP rs773129737, ClinGen allele CA4511994.